The following is an entry in ClinVar:

NM_182961.4(SYNE1):c.4008+15T>C

Gene: SYNE1 (spectrin repeat containing nuclear envelope protein 1; minus strand). Cytogenetic location: 6q25.2.
Variant type: single nucleotide variant.
Coding change: c.4008+15T>C on transcript NM_182961.4 (MANE Select); 15 bases into the intron after coding-DNA position 4008, T replaced by C.
Molecular consequence: intron variant.
Genome position (GRCh38, 1-based): chr6:152,442,060, A>G on the plus strand (T>C on the coding strand, the complement: SYNE1 is on the minus strand). VCF-style: chr6-152442060-A-G. GRCh37 (hg19) VCF-style: chr6-152763195-A-G.
Other names: c.4029+15T>C (NM_033071.5).
Identifiers: ClinVar variation 355925 (VCV000355925.17), dbSNP rs368542446, ClinGen allele CA4058679.
Genomic context (GRCh38, chr6:152,442,060, plus strand): 5'-TGGTGTTATGAGGCACAACCGGAAGTGAACACTGCCCAGCCTCTGTTTAAATGGCCCCTA[A>G]CTTCCGGCTCCTACCTGGATGCGGCGTTCCTGCCTCTCCCGGCTGCGCTCCAGGCCATCC-3'

ClinVar aggregate classification (germline): Conflicting classifications of pathogenicity. Review status: criteria provided, conflicting classifications (1 of 4 stars). 5 submissions from 4 submitters: Uncertain significance (1); Likely benign (3). 1 of the submissions does not count toward it. Last evaluated 2025-07-28.

Conditions:
SYNE1-related disorder. Also called: SYNE1-related disorders; SYNE1-related disease; SYNE1-related condition.
Autosomal recessive ataxia, Beauce type. Also called: SYNE1 Deficiency; SYNE1-Related Autosomal Recessive Cerebellar Ataxia; Spinocerebellar ataxia, autosomal recessive 8; ATAXIA, RECESSIVE, OF BEAUCE. Identifiers: Orphanet 88644, MedGen C1853116, MONDO:0012549, OMIM 610743.
Emery-Dreifuss muscular dystrophy 4, autosomal dominant (EDMD4). Also called: EMERY-DREIFUSS MUSCULAR DYSTROPHY 4 WITH VARIABLE FEATURES. Identifiers: Orphanet 261, MedGen C2751807, MONDO:0013071, OMIM 612998.

Allele frequency attached by ClinVar (database versions not stated): ExAC 0.00006; gnomAD exomes 0.00006 and 0.00020; ESP Exome Variant Server 0.00008; TOPMed 0.00009; gnomAD 0.00011 and 0.00012.
gnomAD v4.1: 306 of 1,613,738 alleles (0.019%); highest among the groups gnomAD compares: Non-Finnish European, 0.025%; no homozygotes.

Submissions (5):

Labcorp Genetics (formerly Invitae), Labcorp
Classification: Likely benign for Emery-Dreifuss muscular dystrophy 4, autosomal dominant; Autosomal recessive ataxia, Beauce type. Last evaluated: 2025-07-28. Review status: criteria provided, single submitter. Criteria: Invitae Variant Classification Sherloc (09022015). Collection method: clinical testing. Allele origin: germline.

GeneDx
Classification: Likely benign. Last evaluated: 2018-05-04. Review status: criteria provided, single submitter. Criteria: GeneDx Variant Classification Process June 2021. Collection method: clinical testing. Allele origin: germline. Affected: yes.

Illumina Laboratory Services, Illumina
Classification: Likely benign for Emery-Dreifuss muscular dystrophy 4, autosomal dominant. Last evaluated: 2018-01-12. Review status: criteria provided, single submitter. Criteria: ICSL Variant Classification Criteria 13 December 2019. Collection method: clinical testing. Allele origin: germline.
Comment: This variant was observed in the ICSL laboratory as part of a predisposition screen in an ostensibly healthy population. It had not been previously curated by ICSL or reported in the Human Gene Mutation Database (HGMD: prior to June 1st, 2018), and was therefore a candidate for classification through an automated scoring system. Utilizing variant allele frequency, disease prevalence and penetrance estimates, and inheritance mode, an automated score was calculated to assess if this variant is too frequent to cause the disease. Based on the score and internal cut-off values, a variant classified as likely benign is not then subjected to further curation. The score for this variant resulted in a classification of likely benign for this disease.

Illumina Laboratory Services, Illumina
Classification: Uncertain significance for Autosomal recessive ataxia, Beauce type. Last evaluated: 2018-01-12. Review status: criteria provided, single submitter. Criteria: ICSL Variant Classification Criteria 13 December 2019. Collection method: clinical testing. Allele origin: germline.

PreventionGenetics, part of Exact Sciences
Classification: Likely benign for SYNE1-related condition. Last evaluated: 2021-11-08. Review status: no assertion criteria provided. Collection method: clinical testing. Allele origin: germline. Not counted in ClinVar's aggregate classification.
Comment: This variant is classified as likely benign based on ACMG/AMP sequence variant interpretation guidelines (Richards et al. 2015 PMID: 25741868, with internal and published modifications).